The following is an entry in ClinVar:

ClinVar aggregate classification (germline): Uncertain significance (1 of 4 stars; one submission).

Allele frequency attached by ClinVar (database versions not stated): TOPMed below 0.00001.

Submission:

Labcorp Genetics (formerly Invitae), Labcorp
Classification: Uncertain significance. Last evaluated: 2022-08-22. Review status: criteria provided, single submitter. Criteria: Invitae Variant Classification Sherloc (09022015). Collection method: clinical testing. Allele origin: germline.
Comment: In summary, the available evidence is currently insufficient to determine the role of this variant in disease. Therefore, it has been classified as a Variant of Uncertain Significance. Algorithms developed to predict the effect of missense changes on protein structure and function are either unavailable or do not agree on the potential impact of this missense change (SIFT: "Tolerated"; PolyPhen-2: "Possibly Damaging"; Align-GVGD: "Class C0"). This variant has not been reported in the literature in individuals affected with KIAA1549-related conditions. This variant is not present in population databases (gnomAD no frequency). This sequence change replaces serine, which is neutral and polar, with cysteine, which is neutral and slightly polar, at codon 540 of the KIAA1549 protein (p.Ser540Cys).

NM_001164665.2(KIAA1549):c.1619C>G (p.Ser540Cys)

Gene: KIAA1549 (KIAA1549; minus strand). Cytogenetic location: 7q34.
Variant type: single nucleotide variant.
Coding change: c.1619C>G on transcript NM_001164665.2 (MANE Select); coding-DNA position 1619, C replaced by G.
Protein change: p.Ser540Cys; replaces serine 540 with cysteine.
Molecular consequence: missense variant.
Genome position (GRCh38, 1-based): chr7:138,918,007, G>C on the plus strand (C>G on the coding strand, the complement: KIAA1549 is on the minus strand). VCF-style: chr7-138918007-G-C. GRCh37 (hg19) VCF-style: chr7-138602753-G-C.
Other names: c.1619C>G, p.Ser540Cys (NM_020910.3); short protein forms S540C.
Identifiers: ClinVar variation 1993879 (VCV001993879.4), dbSNP rs1412687555, ClinGen allele CA369397980.